The following is an entry in ClinVar:

ClinVar aggregate classification (germline): Uncertain significance (1 of 4 stars; one submission).

Submission:

Ambry Genetics
Classification: Uncertain significance. Last evaluated: 2021-12-20. Review status: criteria provided, single submitter. Criteria: Ambry Variant Classification Scheme 2023. Collection method: clinical testing. Allele origin: germline.
Comment: The p.T147K variant (also known as c.440C>A), located in coding exon 1 of the MLH3 gene, results from a C to A substitution at nucleotide position 440. The threonine at codon 147 is replaced by lysine, an amino acid with similar properties. This amino acid position is conserved. In addition, this alteration is predicted to be tolerated by in silico analysis. Since supporting evidence is limited at this time, the clinical significance of this alteration remains unclear.

NM_001040108.2(MLH3):c.440C>A (p.Thr147Lys)

Gene: MLH3 (mutL homolog 3; minus strand). Cytogenetic location: 14q24.3.
Variant type: single nucleotide variant.
Coding change: c.440C>A on transcript NM_001040108.2 (MANE Select); coding-DNA position 440, C replaced by A.
Protein change: p.Thr147Lys; replaces threonine 147 with lysine.
Molecular consequence: missense variant.
Genome position (GRCh38, 1-based): chr14:75,049,216, G>T on the plus strand (C>A on the coding strand, the complement: MLH3 is on the minus strand). VCF-style: chr14-75049216-G-T. GRCh37 (hg19) VCF-style: chr14-75515919-G-T.
Other names: c.440C>A, p.Thr147Lys (NM_014381.3); short protein forms T147K.
Identifiers: ClinVar variation 1740377 (VCV001740377.2), dbSNP rs1892493006, ClinGen allele CA390450278.
Genomic context (GRCh38, chr14:75,049,216, plus strand): 5'-TCCAGTCTAGGGTCCATGCATTTCCTCCTTACAGGAAGCTGGTAAAATAGGTTATACACT[G>T]TTACAGTAGTCCCAGCGCTTGCTCTAGTCACATCAGCTTCACAAGCTTTCAGGGCTTTTC-3'
Protein context (NP_001035197.1, residues 137-157): VTRASAGTTV[Thr147Lys]VYNLFYQLPV